The following is an entry in ClinVar:

NM_016148.5(SHANK1):c.686T>G (p.Val229Gly)

Gene: SHANK1 (SH3 and multiple ankyrin repeat domains 1; minus strand). Cytogenetic location: 19q13.33.
Variant type: single nucleotide variant.
Coding change: c.686T>G on transcript NM_016148.5 (MANE Select); coding-DNA position 686, T replaced by G.
Protein change: p.Val229Gly; replaces valine 229 with glycine.
Molecular consequence: missense variant.
Genome position (GRCh38, 1-based): chr19:50,713,904, A>C on the plus strand (T>G on the coding strand, the complement: SHANK1 is on the minus strand). VCF-style: chr19-50713904-A-C. GRCh37 (hg19) VCF-style: chr19-51217161-A-C.
Other names: short protein forms V229G.
Identifiers: ClinVar variation 3600839 (VCV003600839.1).

ClinVar aggregate classification (germline): Uncertain significance (1 of 4 stars; one submission).

Submission:

GeneDx
Classification: Uncertain significance. Last evaluated: 2024-07-19. Review status: criteria provided, single submitter. Criteria: GeneDx Variant Classification Process June 2021. Collection method: clinical testing. Allele origin: germline. Affected: yes.
Comment: Not observed at significant frequency in large population cohorts (gnomAD); In silico analysis supports that this missense variant has a deleterious effect on protein structure/function; Has not been previously published as pathogenic or benign to our knowledge